The following is an entry in ClinVar:

ClinVar aggregate classification (germline): Likely pathogenic (1 of 4 stars; one submission).

gnomAD v4.1: 10 of 1,610,478 alleles (0.00062%); highest among the groups gnomAD compares: Non-Finnish European, 0.00085%; no homozygotes.

Submission:

Labcorp Genetics (formerly Invitae), Labcorp
Classification: Likely pathogenic. Last evaluated: 2025-04-14. Review status: criteria provided, single submitter. Criteria: Invitae Variant Classification Sherloc (09022015). Collection method: clinical testing. Allele origin: germline.
Comment: This sequence change affects a donor splice site in intron 17 of the TMPRSS15 gene. It is expected to disrupt RNA splicing. Variants that disrupt the donor or acceptor splice site typically lead to a loss of protein function (PMID: 16199547), and loss-of-function variants in TMPRSS15 are known to be pathogenic (PMID: 11719902). This variant is present in population databases (no rsID available, gnomAD 0.007%). This variant has not been reported in the literature in individuals affected with TMPRSS15-related conditions. Algorithms developed to predict the effect of sequence changes on RNA splicing suggest that this variant may disrupt the consensus splice site. In summary, the currently available evidence indicates that the variant is pathogenic, but additional data are needed to prove that conclusively. Therefore, this variant has been classified as Likely Pathogenic.

Literature cited by the submitters: PubMed 16199547; PubMed 11719902.

NM_002772.3(TMPRSS15):c.2032+2T>C

Gene: TMPRSS15 (transmembrane serine protease 15; minus strand). Cytogenetic location: 21q21.1.
Variant type: single nucleotide variant.
Coding change: c.2032+2T>C on transcript NM_002772.3 (MANE Select); the canonical splice donor site of the intron after coding-DNA position 2032, T replaced by C.
Molecular consequence: splice donor variant.
Genome position (GRCh38, 1-based): chr21:18,315,144, A>G on the plus strand (T>C on the coding strand, the complement: TMPRSS15 is on the minus strand). VCF-style: chr21-18315144-A-G. GRCh37 (hg19) VCF-style: chr21-19687461-A-G.
Other names: c.2032+2T>C (NM_001428057.1); c.2167+2T>C (NM_001428056.1).
Identifiers: ClinVar variation 4781991 (VCV004781991.1).